The following is an entry in ClinVar:

ClinVar aggregate classification (germline): Uncertain significance (1 of 4 stars; one submission).

Conditions:
IGF1R-related disorder. Also called: IGF1R-related condition.

Submission:

PreventionGenetics, part of Exact Sciences
Classification: Uncertain significance for IGF1R-related condition. Last evaluated: 2024-10-26. Review status: criteria provided, single submitter. Criteria: ACMG Guidelines, 2015. Collection method: clinical testing. Allele origin: germline.
Comment: The IGF1R c.1618G>A variant is predicted to result in the amino acid substitution p.Gly540Arg. To our knowledge, this variant has not been reported in the literature or in a large population database (gnomAD), indicating this variant is rare. At this time, the clinical significance of this variant is uncertain due to the absence of conclusive functional and genetic evidence.

NM_000875.5(IGF1R):c.1618G>A (p.Gly540Arg)

Gene: IGF1R (insulin like growth factor 1 receptor; plus strand). Cytogenetic location: 15q26.3.
Variant type: single nucleotide variant.
Coding change: c.1618G>A on transcript NM_000875.5 (MANE Select); coding-DNA position 1618, G replaced by A.
Protein change: p.Gly540Arg; replaces glycine 540 with arginine.
Molecular consequence: missense variant.
Genome position (GRCh38, 1-based): chr15:98,913,072, G>A. VCF-style: chr15-98913072-G-A. GRCh37 (hg19) VCF-style: chr15-99456301-G-A.
Other names: c.1618G>A, p.Gly540Arg (NM_001291858.2); short protein forms G540R.
Identifiers: ClinVar variation 4984254 (VCV004984254.1).
Genomic context (GRCh38, chr15:98,913,072, plus strand): 5'-CCGAACTTTCTCTGAACTTAATTGTCTTTCAGACCCTTTAAGAATGTCACAGAGTATGAT[G>A]GGCAGGATGCCTGCGGCTCCAACAGCTGGAACATGGTGGACGTGGACCTCCCGCCCAACA-3'
Protein context (NP_000866.1, residues 530-550): APFKNVTEYD[Gly540Arg]QDACGSNSWN